The following is an entry in ClinVar:

ClinVar aggregate classification (germline): Uncertain significance (1 of 4 stars; one submission).

Conditions:
Blau syndrome (BLAUS). Also called: GRANULOMATOSIS, FAMILIAL JUVENILE SYSTEMIC; GRANULOMATOSIS, FAMILIAL, BLAU TYPE; GRANULOMATOUS INFLAMMATORY ARTHRITIS, DERMATITIS, AND UVEITIS, FAMILIAL; JABS SYNDROME; ARTHROCUTANEOUVEAL GRANULOMATOSIS. Identifiers: Orphanet 90340, MedGen C5201146, MONDO:0008523, OMIM 186580.
Regional enteritis. Also called: Enteritis, Granulomatous. Identifiers: MedGen C0678202, MeSH D003424.

Allele frequency attached by ClinVar (database versions not stated): gnomAD 0.00001; gnomAD exomes 0.00001; ExAC 0.00002; TOPMed 0.00004.
gnomAD v4.1: 7 of 1,614,060 alleles (0.00043%); highest among the groups gnomAD compares: Admixed American, 0.012%; no homozygotes.

Submission:

Labcorp Genetics (formerly Invitae), Labcorp
Classification: Uncertain significance for Regional enteritis; Blau syndrome. Last evaluated: 2023-06-14. Review status: criteria provided, single submitter. Criteria: Invitae Variant Classification Sherloc (09022015). Collection method: clinical testing. Allele origin: germline.
Comment: In summary, the available evidence is currently insufficient to determine the role of this variant in disease. Therefore, it has been classified as a Variant of Uncertain Significance. Advanced modeling of protein sequence and biophysical properties (such as structural, functional, and spatial information, amino acid conservation, physicochemical variation, residue mobility, and thermodynamic stability) performed at Invitae indicates that this missense variant is not expected to disrupt NOD2 protein function. ClinVar contains an entry for this variant (Variation ID: 1349894). This variant has not been reported in the literature in individuals affected with NOD2-related conditions. This variant is present in population databases (rs753619374, gnomAD 0.006%). This sequence change replaces glutamine, which is neutral and polar, with glutamic acid, which is acidic and polar, at codon 101 of the NOD2 protein (p.Gln101Glu).

NM_001370466.1(NOD2):c.220C>G (p.Gln74Glu)

Gene: NOD2 (nucleotide binding oligomerization domain containing 2; plus strand). Cytogenetic location: 16q12.1.
Variant type: single nucleotide variant.
Coding change: c.220C>G on transcript NM_001370466.1 (MANE Select); coding-DNA position 220, C replaced by G.
Protein change: p.Gln74Glu; replaces glutamine 74 with glutamic acid.
Molecular consequence: missense variant. On other transcripts: non-coding transcript variant (1).
Genome position (GRCh38, 1-based): chr16:50,699,715, C>G. VCF-style: chr16-50699715-C-G. GRCh37 (hg19) VCF-style: chr16-50733626-C-G.
Other names: c.220C>G, p.Gln74Glu (NM_001293557.2); c.301C>G, p.Gln101Glu (NM_022162.3); short protein forms Q74E, Q101E.
Identifiers: ClinVar variation 1349894 (VCV001349894.6), dbSNP rs753619374, ClinGen allele CA8051246.